The following is an entry in ClinVar:

NM_017827.4(SARS2):c.228C>T (p.Leu76=)

Genes: SARS2 (seryl-tRNA synthetase 2, mitochondrial; minus strand), LOC130064387 (ATAC-STARR-seq lymphoblastoid active region 14604; plus strand). Cytogenetic location: 19q13.2.
Variant type: single nucleotide variant.
Coding change: c.228C>T on transcript NM_017827.4 (MANE Select); coding-DNA position 228, C replaced by T.
Protein change: p.Leu76=; no amino-acid change (leucine 76 retained).
Molecular consequence: synonymous variant.
Genome position (GRCh38, 1-based): chr19:38,930,509, G>A on the plus strand (C>T on the coding strand, the complement: SARS2 is on the minus strand). VCF-style: chr19-38930509-G-A. GRCh37 (hg19) VCF-style: chr19-39421149-G-A.
Other names: c.228C>T (NM_017827.3); c.228C>T, p.Leu76= (NM_001145901.2).
Identifiers: ClinVar variation 2902523 (VCV002902523.7), dbSNP rs780035635, ClinGen allele CA9423313.

ClinVar aggregate classification (germline): Likely benign. Review status: criteria provided, multiple submitters, no conflicts (2 of 4 stars). 3 submissions from 3 submitters: Likely benign (2). 1 of the submissions does not count toward it. Last evaluated 2026-06-01.

Conditions:
SARS2-related disorder. Also called: SARS2-related condition.

Allele frequency attached by ClinVar (database versions not stated): TOPMed 0.00004; gnomAD 0.00005; ExAC 0.00007.
gnomAD v4.1: 37 of 1,610,214 alleles (0.0023%); highest among the groups gnomAD compares: East Asian, 0.074%; no homozygotes.

Submissions (3):

CeGaT Center for Human Genetics Tuebingen
Classification: Likely benign. Last evaluated: 2026-06-01. Review status: criteria provided, single submitter. Criteria: CeGaT Center For Human Genetics Tuebingen Variant Classification Criteria Version 2. Collection method: clinical testing. Allele origin: germline. Affected: yes. Observed: 1 variant allele.
Comment: SARS2: BP4, BP7

Labcorp Genetics (formerly Invitae), Labcorp
Classification: Likely benign. Last evaluated: 2023-10-05. Review status: criteria provided, single submitter. Criteria: Invitae Variant Classification Sherloc (09022015). Collection method: clinical testing. Allele origin: germline.

PreventionGenetics, part of Exact Sciences
Classification: Likely benign for SARS2-related condition. Last evaluated: 2022-03-01. Review status: no assertion criteria provided. Collection method: clinical testing. Allele origin: germline. Not counted in ClinVar's aggregate classification.
Comment: This variant is classified as likely benign based on ACMG/AMP sequence variant interpretation guidelines (Richards et al. 2015 PMID: 25741868, with internal and published modifications).